The following is an entry in ClinVar:

ClinVar aggregate classification (germline): Uncertain significance. Review status: criteria provided, single submitter (1 of 4 stars). 2 submissions from 2 submitters: Uncertain significance (1). 1 of the submissions does not count toward it. Last evaluated 2025-12-01.

Conditions:
Ornithine carbamoyltransferase deficiency (OTCD). Also called: OTC DEFICIENCY; ORNITHINE TRANSCARBAMYLASE DEFICIENCY; ORNITHINE TRANSCARBAMYLASE DEFICIENCY, HYPERAMMONEMIA DUE TO; Ornithine Carbamoyltransferase Deficiency Disease. Identifiers: Orphanet 664, MedGen C0268542, MONDO:0010703, OMIM 311250.

Submissions (2):

Myriad Genetics, Inc.
Classification: Uncertain significance for Ornithine carbamoyltransferase deficiency. Last evaluated: 2025-12-01. Review status: criteria provided, single submitter. Criteria: Myriad Autosomal Dominant, Autosomal Recessive and X-Linked Classification Criteria (2023). Collection method: clinical testing. Allele origin: unknown.
Comment: NM_000531.5(OTC):c.493G>T(D165Y) is a missense variant classified as a variant of uncertain significance in the context of ornithine transcarbamylase deficiency. D165Y has been observed in cases with relevant disease (PMID: 11117428, 39559585). Relevant functional assessments of this variant are not available in the literature. D165Y has not been observed in referenced population frequency databases. In summary, there is insufficient evidence to classify NM_000531.5(OTC):c.493G>T(D165Y) as pathogenic or benign. Please note: this variant was assessed in the context of healthy population screening.

GenMed Metabolism Lab
Classification: Pathogenic. Review status: no assertion criteria provided. Collection method: not provided. Allele origin: unknown. Not counted in ClinVar's aggregate classification.
Comment: p.Asp165Tyr, Late
ClinVar note: Converted during submission from pathogenic to Pathogenic.

Literature cited by the submitters: PubMed 11117428 (cited by Myriad Genetics, Inc.); PubMed 39559585 (cited by Myriad Genetics, Inc.).

NM_000531.6(OTC):c.493G>T (p.Asp165Tyr)

Gene: OTC (ornithine transcarbamylase; plus strand). Cytogenetic location: Xp11.4.
Variant type: single nucleotide variant.
Coding change: c.493G>T on transcript NM_000531.6 (MANE Select); coding-DNA position 493, G replaced by T.
Protein change: p.Asp165Tyr; replaces aspartic acid 165 with tyrosine.
Molecular consequence: missense variant.
Genome position (GRCh38, 1-based): chrX:38,401,381, G>T. VCF-style: chrX-38401381-G-T. GRCh37 (hg19) VCF-style: chrX-38260634-G-T.
Other names: short protein forms D165Y.
Identifiers: ClinVar variation 97221 (VCV000097221.3), dbSNP rs72556275, ClinGen allele CA224644.